The following is an entry in ClinVar:

ClinVar aggregate classification (germline): Conflicting classifications of pathogenicity. Review status: criteria provided, conflicting classifications (1 of 4 stars). 2 submissions from 2 submitters: Uncertain significance (1); Likely benign (1). Last evaluated 2025-11-12.

Conditions:
Heterotopia, periventricular, X-linked dominant (PVNH1). Also called: PERIVENTRICULAR NODULAR HETEROTOPIA 4; HETEROTOPIA, PERIVENTRICULAR, 1; PERIVENTRICULAR NODULAR HETEROTOPIA 1; X-linked periventricular heterotopia. Identifiers: Orphanet 2149, Orphanet 82004, MedGen C1848213, MONDO:0010233, OMIM 300049.
Melnick-Needles syndrome (MNS). Also called: MELNICK-NEEDLES OSTEODYSPLASTY; OSTEODYSPLASTY OF MELNICK AND NEEDLES; Melnick-Needles Syndrome (FLNA-MNS). Identifiers: Orphanet 2484, MedGen C0025237, MONDO:0010650, OMIM 309350.
Frontometaphyseal dysplasia (FMD1). Identifiers: Orphanet 1826, MedGen C0265293, MONDO:0015942.
Oto-palato-digital syndrome, type II (OPD2). Also called: FACIOPALATOOSSEOUS SYNDROME; OPD II SYNDROME; Otopalatodigital Syndrome, Type II; Otopalatodigital Syndrome Type 2 (FLNA-OPD2). Identifiers: Orphanet 669, Orphanet 90652, MedGen C1844696, MONDO:0010571, OMIM 304120.
Familial thoracic aortic aneurysm and aortic dissection (TAAD). Also called: Thoracic aortic aneurysms and dissections. Identifiers: Orphanet 91387, MedGen C4707243, MONDO:0019625.

Allele frequency attached by ClinVar (database versions not stated): ExAC 0.00001.
gnomAD v4.1: 1 of 1,211,365 alleles (0.000083%); highest among the groups gnomAD compares: Admixed American, 0.0022%; no homozygotes.

Submissions (2):

Labcorp Genetics (formerly Invitae), Labcorp
Classification: Likely benign for Oto-palato-digital syndrome, type II; Heterotopia, periventricular, X-linked dominant; Frontometaphyseal dysplasia; Melnick-Needles syndrome. Last evaluated: 2025-11-12. Review status: criteria provided, single submitter. Criteria: Invitae Variant Classification Sherloc (09022015). Collection method: clinical testing. Allele origin: germline.

Ambry Genetics
Classification: Uncertain significance for Familial thoracic aortic aneurysm and aortic dissection. Last evaluated: 2023-08-18. Review status: criteria provided, single submitter. Criteria: Ambry Variant Classification Scheme 2023. Collection method: clinical testing. Allele origin: germline.
Comment: The p.V1612M variant (also known as c.4834G>A), located in coding exon 28 of the FLNA gene, results from a G to A substitution at nucleotide position 4834. The valine at codon 1612 is replaced by methionine, an amino acid with highly similar properties. Based on data from gnomAD, the A allele has an overall frequency of <0.01% (1/180745) total alleles studied, with 1 hemizygote(s) observed. The highest observed frequency was <0.01% (1/27326) of Latino alleles. This amino acid position is not well conserved in available vertebrate species. In addition, this alteration is predicted to be tolerated by in silico analysis. Since supporting evidence is limited at this time, the clinical significance of this alteration remains unclear.

NM_001110556.2(FLNA):c.4834G>A (p.Val1612Met)

Gene: FLNA (filamin A; minus strand). Cytogenetic location: Xq28.
Variant type: single nucleotide variant.
Coding change: c.4834G>A on transcript NM_001110556.2 (MANE Select); coding-DNA position 4834, G replaced by A.
Protein change: p.Val1612Met; replaces valine 1612 with methionine.
Molecular consequence: missense variant.
Genome position (GRCh38, 1-based): chrX:154,357,545, C>T on the plus strand (G>A on the coding strand, the complement: FLNA is on the minus strand). VCF-style: chrX-154357545-C-T. GRCh37 (hg19) VCF-style: chrX-153585913-C-T.
Other names: c.4834G>A, p.Val1612Met (NM_001456.4); c.4834G>A (NM_001456.3); short protein forms V1612M.
Identifiers: ClinVar variation 1371846 (VCV001371846.7), dbSNP rs782082407, ClinGen allele CA10560457.